The following is an entry in ClinVar:

NM_000222.3(KIT):c.2924del (p.Asp975fs)

Gene: KIT (KIT proto-oncogene, receptor tyrosine kinase; plus strand). Cytogenetic location: 4q12.
Variant type: Deletion.
Coding change: c.2924del on transcript NM_000222.3 (MANE Select); coding-DNA position 2924, one base deleted (A; older notation c.2924delA).
Protein change: p.Asp975fs; shifts the reading frame from aspartic acid 975.
Molecular consequence: frameshift variant.
Genome position (GRCh38, 1-based): chr4:54,738,550, A deleted. VCF-style (leftmost placement, unchanged base first): chr4-54738549-GA-G. GRCh37 (hg19) VCF-style: chr4-55604715-GA-G.
Other names: c.2912del, p.Asp971fs (NM_001093772.2, NM_001385292.1); c.2927del, p.Asp976fs (NM_001385284.1); c.2921del, p.Asp974fs (NM_001385285.1); c.2909del, p.Asp970fs (NM_001385286.1); c.2915del, p.Asp972fs (NM_001385288.1); c.2924del, p.Asp975fs (NM_001385290.1); short protein forms D970fs, D972fs, D974fs, D975fs, D976fs, D971fs.
Identifiers: ClinVar variation 4043775 (VCV004043775.2).

ClinVar aggregate classification (germline): Uncertain significance (1 of 4 stars; one submission).

Conditions:
Hereditary cancer-predisposing syndrome. Also called: Neoplastic Syndromes, Hereditary; Tumor predisposition; Hereditary Cancer Syndrome; Hereditary neoplastic syndrome. Identifiers: Orphanet 140162, MedGen C0027672, MeSH D009386, MONDO:0015356.

Submission:

Ambry Genetics
Classification: Uncertain significance for Hereditary cancer-predisposing syndrome. Last evaluated: 2026-08-04. Review status: criteria provided, single submitter. Criteria: Ambry Variant Classification Scheme 2023. Collection method: clinical testing. Allele origin: germline.
Comment: The c.2924delA variant, located in coding exon 21 of the KIT gene, results from a deletion of one nucleotide at nucleotide position 2924, causing a translational frameshift with a predicted alternate stop codon (p.D975Vfs*22). This variant occurs at the 3' terminus of the gene and is not expected to trigger nonsense-mediated mRNA decay. Based on the available evidence, the clinical significance of this variant remains unclear.